The following is an entry in ClinVar:

NM_000051.4(ATM):c.6581C>T (p.Thr2194Ile)

Genes: ATM (ATM serine/threonine kinase; plus strand), C11orf65 (chromosome 11 open reading frame 65; minus strand). Cytogenetic location: 11q22.3.
Variant type: single nucleotide variant.
Coding change: c.6581C>T on transcript NM_000051.4 (MANE Select); coding-DNA position 6581, C replaced by T.
Protein change: p.Thr2194Ile; replaces threonine 2194 with isoleucine.
Molecular consequence: missense variant. On other transcripts: intron variant (2).
Genome position (GRCh38, 1-based): chr11:108,325,318, C>T. VCF-style: chr11-108325318-C-T. GRCh37 (hg19) VCF-style: chr11-108196045-C-T.
Other names: c.6581C>T, p.Thr2194Ile (NM_001351834.2); c.641-16247G>A (NM_001330368.2); c.*38+9902G>A (NM_001351110.2); short protein forms T2194I.
Identifiers: ClinVar variation 482745 (VCV000482745.16), dbSNP rs1476384636, ClinGen allele CA382554658.
Genomic context (GRCh38, chr11:108,325,318, plus strand): 5'-TTTTTTTTTTTCATTTCTCTTGCTTACATGAACTCTATGTCGTGGCATTCAGATCAGTCA[C>T]ACATAGACAACTCTCTGAAGTATATATTAAGTGGCAGAAACACTCCCAGCTTCTCAAGGA-3'
Protein context (NP_000042.3, residues 2184-2204): SIGELFSRSV[Thr2194Ile]HRQLSEVYIK

ClinVar aggregate classification (germline): Uncertain significance. Review status: criteria provided, multiple submitters, no conflicts (2 of 4 stars). 3 submissions from 3 submitters: Uncertain significance (3). Last evaluated 2021-08-27.

Conditions:
Hereditary cancer-predisposing syndrome. Also called: Neoplastic Syndromes, Hereditary; Hereditary Cancer Syndrome; Tumor predisposition; Hereditary neoplastic syndrome. Identifiers: Orphanet 140162, MedGen C0027672, MeSH D009386, MONDO:0015356.
Ataxia-telangiectasia syndrome (AT). Also called: LOUIS-BAR SYNDROME; Cerebello-oculocutaneous telangiectasia; Immunodeficiency with ataxia telangiectasia; Ataxia-telangiectasia, complementation group D; AT, COMPLEMENTATION GROUP C; Ataxia-telangiectasia, complementation group E. Identifiers: Orphanet 100, MedGen C0004135, MONDO:0008840, OMIM 208900.

Allele frequency attached by ClinVar (database versions not stated): gnomAD exomes below 0.00001.
gnomAD v4.1: 3 of 1,537,078 alleles (0.0002%); highest among the groups gnomAD compares: Non-Finnish European, 0.00027%; no homozygotes.

Submissions (3):

Labcorp Genetics (formerly Invitae), Labcorp
Classification: Uncertain significance for Ataxia-telangiectasia syndrome. Last evaluated: 2021-08-27. Review status: criteria provided, single submitter. Criteria: Invitae Variant Classification Sherloc (09022015). Collection method: clinical testing. Allele origin: germline.
Comment: This sequence change replaces threonine with isoleucine at codon 2194 of the ATM protein (p.Thr2194Ile). The threonine residue is highly conserved and there is a moderate physicochemical difference between threonine and isoleucine. This variant is not present in population databases (ExAC no frequency). This variant has not been reported in the literature in individuals affected with ATM-related conditions. ClinVar contains an entry for this variant (Variation ID: 482745). Algorithms developed to predict the effect of missense changes on protein structure and function are either unavailable or do not agree on the potential impact of this missense change (SIFT: "Deleterious"; PolyPhen-2: "Benign"; Align-GVGD: "Class C15"). In summary, the available evidence is currently insufficient to determine the role of this variant in disease. Therefore, it has been classified as a Variant of Uncertain Significance.

Ambry Genetics
Classification: Uncertain significance for Hereditary cancer-predisposing syndrome. Last evaluated: 2019-10-30. Review status: criteria provided, single submitter. Criteria: Ambry Variant Classification Scheme 2023. Collection method: clinical testing. Allele origin: germline.
Comment: The p.T2194I variant (also known as c.6581C>T), located in coding exon 45 of the ATM gene, results from a C to T substitution at nucleotide position 6581. The threonine at codon 2194 is replaced by isoleucine, an amino acid with similar properties. This amino acid position is not well conserved in available vertebrate species. In addition, this alteration is predicted to be tolerated by in silico analysis. Since supporting evidence is limited at this time, the clinical significance of this alteration remains unclear.

Color Diagnostics, LLC DBA Color Health
Classification: Uncertain significance for Hereditary cancer-predisposing syndrome. Last evaluated: 2019-06-22. Review status: criteria provided, single submitter. Criteria: ACMG Guidelines, 2015. Collection method: clinical testing. Allele origin: germline.